The following is an entry in ClinVar:

NM_177972.3(TUB):c.803G>A (p.Arg268His)

Genes: RIC3 (RIC3 acetylcholine receptor chaperone; minus strand), TUB (TUB bipartite transcription factor; plus strand). Cytogenetic location: 11p15.4.
Variant type: single nucleotide variant.
Coding change: c.803G>A on transcript NM_177972.3 (MANE Select); coding-DNA position 803, G replaced by A.
Protein change: p.Arg268His; replaces arginine 268 with histidine.
Molecular consequence: missense variant.
Genome position (GRCh38, 1-based): chr11:8,097,343, G>A. VCF-style: chr11-8097343-G-A. GRCh37 (hg19) VCF-style: chr11-8118890-G-A.
Other names: c.968G>A (NM_003320.4); c.968G>A, p.Arg323His (NM_003320.5); short protein forms R268H, R323H.
Identifiers: ClinVar variation 1060346 (VCV001060346.10), dbSNP rs1266920359, ClinGen allele CA379568925.

ClinVar aggregate classification (germline): Uncertain significance. Review status: criteria provided, multiple submitters, no conflicts (2 of 4 stars). 3 submissions from 3 submitters: Uncertain significance (2). 1 of the submissions does not count toward it. Last evaluated 2023-01-26.

Conditions:
TUB-related disorder. Also called: TUB-related condition.

Allele frequency attached by ClinVar (database versions not stated): gnomAD exomes 0.00001 and 0.00003; TOPMed 0.00002.
gnomAD v4.1: 43 of 1,614,048 alleles (0.0027%); highest among the groups gnomAD compares: South Asian, 0.0055%; no homozygotes.

Submissions (3):

Blueprint Genetics
Classification: Uncertain significance. Last evaluated: 2023-01-26. Review status: criteria provided, single submitter. Criteria: ACMG Guidelines, 2015. Collection method: clinical testing. Allele origin: germline.

Labcorp Genetics (formerly Invitae), Labcorp
Classification: Uncertain significance. Last evaluated: 2022-03-09. Review status: criteria provided, single submitter. Criteria: Invitae Variant Classification Sherloc (09022015). Collection method: clinical testing. Allele origin: germline.
Comment: ClinVar contains an entry for this variant (Variation ID: 1060346). Algorithms developed to predict the effect of missense changes on protein structure and function are either unavailable or do not agree on the potential impact of this missense change (SIFT: "Deleterious"; PolyPhen-2: "Probably Damaging"; Align-GVGD: "Class C0"). In summary, the available evidence is currently insufficient to determine the role of this variant in disease. Therefore, it has been classified as a Variant of Uncertain Significance. This variant has not been reported in the literature in individuals affected with TUB-related conditions. This sequence change replaces arginine, which is basic and polar, with histidine, which is basic and polar, at codon 323 of the TUB protein (p.Arg323His). This variant is present in population databases (no rsID available, gnomAD 0.003%).

PreventionGenetics, part of Exact Sciences
Classification: Uncertain significance for TUB-related condition. Last evaluated: 2024-05-12. Review status: no assertion criteria provided. Collection method: clinical testing. Allele origin: germline. Not counted in ClinVar's aggregate classification.
Comment: The TUB c.968G>A variant is predicted to result in the amino acid substitution p.Arg323His. To our knowledge, this variant has not been reported in the literature. This variant is reported in 0.0033% of alleles in individuals of South Asian descent in gnomAD. At this time, the clinical significance of this variant is uncertain due to the absence of conclusive functional and genetic evidence.